The following is an entry in ClinVar:

NM_006059.4(LAMC3):c.1262C>T (p.Ser421Leu)

Gene: LAMC3 (laminin subunit gamma 3; plus strand). Cytogenetic location: 9q34.12.
Variant type: single nucleotide variant.
Coding change: c.1262C>T on transcript NM_006059.4 (MANE Select); coding-DNA position 1262, C replaced by T.
Protein change: p.Ser421Leu; replaces serine 421 with leucine.
Molecular consequence: missense variant.
Genome position (GRCh38, 1-based): chr9:131,039,227, C>T. VCF-style: chr9-131039227-C-T. GRCh37 (hg19) VCF-style: chr9-133914614-C-T.
Other names: c.1262C>T (NM_006059.3); short protein forms S421L.
Identifiers: ClinVar variation 1413986 (VCV001413986.6), dbSNP rs376262461, ClinGen allele CA5287003.

ClinVar aggregate classification (germline): Uncertain significance. Review status: criteria provided, multiple submitters, no conflicts (2 of 4 stars). 2 submissions from 2 submitters: Uncertain significance (2). Last evaluated 2025-09-26.

Conditions:
Inborn genetic diseases. Identifiers: MedGen C0950123, MeSH D030342.

Allele frequency attached by ClinVar (database versions not stated): ESP Exome Variant Server 0.00008; ExAC 0.00004.
gnomAD v4.1: 56 of 1,605,964 alleles (0.0035%); highest among the groups gnomAD compares: South Asian, 0.0088%; no homozygotes.

Submissions (2):

Ambry Genetics
Classification: Uncertain significance for Inborn genetic diseases. Last evaluated: 2025-09-26. Review status: criteria provided, single submitter. Criteria: Ambry Variant Classification Scheme 2023. Collection method: clinical testing. Allele origin: germline.

Labcorp Genetics (formerly Invitae), Labcorp
Classification: Uncertain significance. Last evaluated: 2024-09-30. Review status: criteria provided, single submitter. Criteria: Invitae Variant Classification Sherloc (09022015). Collection method: clinical testing. Allele origin: germline.
Comment: This sequence change replaces serine, which is neutral and polar, with leucine, which is neutral and non-polar, at codon 421 of the LAMC3 protein (p.Ser421Leu). This variant is present in population databases (rs376262461, gnomAD 0.008%). This variant has not been reported in the literature in individuals affected with LAMC3-related conditions. ClinVar contains an entry for this variant (Variation ID: 1413986). An algorithm developed to predict the effect of missense changes on protein structure and function (PolyPhen-2) suggests that this variant is likely to be disruptive. In summary, the available evidence is currently insufficient to determine the role of this variant in disease. Therefore, it has been classified as a Variant of Uncertain Significance.